The following is an entry in ClinVar:

ClinVar aggregate classification (germline): Uncertain significance. Review status: criteria provided, single submitter (1 of 4 stars). 2 submissions from 2 submitters: Uncertain significance (1). 1 of the submissions does not count toward it. Last evaluated 2022-02-10.

Conditions:
Inborn genetic diseases. Identifiers: MedGen C0950123, MeSH D030342.
MN1-related disorder. Also called: MN1-related condition.

Allele frequency attached by ClinVar (database versions not stated): gnomAD 0.00007; TOPMed 0.00011.
gnomAD v4.1: 24 of 1,525,930 alleles (0.0016%); highest among the groups gnomAD compares: African/African-American, 0.029%; no homozygotes.

Submissions (2):

Ambry Genetics
Classification: Uncertain significance for Inborn genetic diseases. Last evaluated: 2022-02-10. Review status: criteria provided, single submitter. Criteria: Ambry Variant Classification Scheme 2023. Collection method: clinical testing. Allele origin: germline.

PreventionGenetics, part of Exact Sciences
Classification: Uncertain significance for MN1-related condition. Last evaluated: 2024-04-11. Review status: no assertion criteria provided. Collection method: clinical testing. Allele origin: germline. Not counted in ClinVar's aggregate classification.
Comment: The MN1 c.2345G>T variant is predicted to result in the amino acid substitution p.Gly782Val. To our knowledge, this variant has not been reported in the literature. This variant is reported in 0.027% of alleles in individuals of African descent in gnomAD. At this time, the clinical significance of this variant is uncertain due to the absence of conclusive functional and genetic evidence.

NM_002430.3(MN1):c.2345G>T (p.Gly782Val)

Gene: MN1 (MN1 proto-oncogene, transcriptional regulator; minus strand). Cytogenetic location: 22q12.1.
Variant type: single nucleotide variant.
Coding change: c.2345G>T on transcript NM_002430.3 (MANE Select); coding-DNA position 2345, G replaced by T.
Protein change: p.Gly782Val; replaces glycine 782 with valine.
Molecular consequence: missense variant.
Genome position (GRCh38, 1-based): chr22:27,798,199, C>A on the plus strand (G>T on the coding strand, the complement: MN1 is on the minus strand). VCF-style: chr22-27798199-C-A. GRCh37 (hg19) VCF-style: chr22-28194187-C-A.
Other names: short protein forms G782V.
Identifiers: ClinVar variation 2220410 (VCV002220410.3), dbSNP rs776741937, ClinGen allele CA10166262.
Genomic context (GRCh38, chr22:27,798,199, plus strand): 5'-AATTTACTGGCCGAGGTGCGCTGGCTGGGCTGGAAATCAGGCTGCGGCGGGTAGGCACCC[C>A]CGCCACCGCCGCCACCAGAGCTGCCACCGCCCCCTCCCGCGCTGGGGGGCGAGTTCACGC-3'
Protein context (NP_002421.3, residues 772-792): GGGSSGGGGG[Gly782Val]GAYPPQPDFQ